The following is an entry in ClinVar:

ClinVar aggregate classification (germline): Benign/Likely benign. Review status: criteria provided, multiple submitters, no conflicts (2 of 4 stars). 5 submissions from 5 submitters: Benign (1); Likely benign (4). Last evaluated 2026-01-21.

Conditions:
Classic or attenuated familial adenomatous polyposis. Identifiers: MedGen CN372698, MONDO:0021057.
Hereditary cancer-predisposing syndrome. Also called: Hereditary neoplastic syndrome; Hereditary Cancer Syndrome; Neoplastic Syndromes, Hereditary; Tumor predisposition. Identifiers: Orphanet 140162, MedGen C0027672, MeSH D009386, MONDO:0015356.
Familial adenomatous polyposis 1 (FAP1). Also called: FAMILIAL ADENOMATOUS POLYPOSIS 1, ATTENUATED; POLYPOSIS, ADENOMATOUS INTESTINAL. Identifiers: MedGen C2713442, MONDO:0021056, OMIM 175100. Disease mechanism: loss of function.

Allele frequency attached by ClinVar (database versions not stated): ExAC 0.00001; gnomAD 0.00001 and 0.00002; TOPMed 0.00001; 1000 Genomes Project 30x 0.00016; 1000 Genomes Project 0.00020.
gnomAD v4.1: 4 of 1,613,870 alleles (0.00025%); highest among the groups gnomAD compares: African/African-American, 0.004%; no homozygotes.

Submissions (5):

Labcorp Genetics (formerly Invitae), Labcorp
Classification: Likely benign for Familial adenomatous polyposis 1. Last evaluated: 2026-01-21. Review status: criteria provided, single submitter. Criteria: Invitae Variant Classification Sherloc (09022015). Collection method: clinical testing. Allele origin: germline.

Myriad Genetics, Inc.
Classification: Benign for Familial adenomatous polyposis 1. Last evaluated: 2024-04-01. Review status: criteria provided, single submitter. Criteria: Myriad Autosomal Dominant, Autosomal Recessive and X-Linked Classification Criteria (2023). Collection method: clinical testing. Allele origin: unknown.
Comment: This variant is considered benign. This variant is a silent/synonymous amino acid change and it is not expected to impact splicing.

All of Us Research Program, National Institutes of Health
Classification: Likely benign for Classic or attenuated familial adenomatous polyposis. Last evaluated: 2023-07-10. Review status: criteria provided, single submitter. Criteria: ACMG Guidelines, 2015. Collection method: clinical testing. Allele origin: germline. Inheritance: Autosomal dominant inheritance. Observed: 1 variant allele, 1 heterozygote.
Comment: This study involves interpretation of variants in research participants for the purpose of population health screening. Participant phenotype was not available at the time of variant classification. Additional details can be found in publication PMID: 35346344, PMCID: PMC8962531

GeneDx
Classification: Likely benign. Last evaluated: 2017-10-02. Review status: criteria provided, single submitter. Criteria: GeneDx Variant Classification (06012015). Collection method: clinical testing. Allele origin: germline. Affected: yes.
Comment: This variant is considered likely benign or benign based on one or more of the following criteria: it is a conservative change, it occurs at a poorly conserved position in the protein, it is predicted to be benign by multiple in silico algorithms, and/or has population frequency not consistent with disease.

Ambry Genetics
Classification: Likely benign for Hereditary cancer-predisposing syndrome. Last evaluated: 2016-05-02. Review status: criteria provided, single submitter. Criteria: Ambry Variant Classification Scheme 2023. Collection method: clinical testing. Allele origin: germline.

NM_000038.6(APC):c.5319T>C (p.Thr1773=)

Gene: APC (APC regulator of Wnt signaling pathway; plus strand). Cytogenetic location: 5q22.2.
Variant type: single nucleotide variant.
Coding change: c.5319T>C on transcript NM_000038.6 (MANE Select); coding-DNA position 5319, T replaced by C.
Protein change: p.Thr1773=; no amino-acid change (threonine 1773 retained).
Molecular consequence: synonymous variant.
Genome position (GRCh38, 1-based): chr5:112,840,913, T>C. VCF-style: chr5-112840913-T-C. GRCh37 (hg19) VCF-style: chr5-112176610-T-C.
Other names: c.5319T>C, p.Thr1773= (NM_001127510.3, NM_001354895.2); c.5265T>C, p.Thr1755= (NM_001127511.3); c.5373T>C, p.Thr1791= (NM_001354896.2); c.5349T>C, p.Thr1783= (NM_001354897.2); c.5244T>C, p.Thr1748= (NM_001354898.2); c.5235T>C, p.Thr1745= (NM_001354899.2); c.5196T>C, p.Thr1732= (NM_001354900.2); c.5142T>C, p.Thr1714= (NM_001354901.2); and 5 more.
Identifiers: ClinVar variation 236618 (VCV000236618.19), dbSNP rs563219702, ClinGen allele CA041387.